The following is an entry in ClinVar:

ClinVar aggregate classification (germline): Likely benign. Review status: criteria provided, multiple submitters, no conflicts (2 of 4 stars). 2 submissions from 2 submitters: Likely benign (2). Last evaluated 2026-06-01.

Conditions:
Myoclonic dystonia 26. Identifiers: MedGen C4225341, MONDO:0014620, OMIM 616398.

Allele frequency attached by ClinVar (database versions not stated): ExAC 0.00021; gnomAD exomes 0.00022 and 0.00030; gnomAD 0.00032 and 0.00033; TOPMed 0.00037; ESP Exome Variant Server 0.00054.
gnomAD v4.1: 470 of 1,595,614 alleles (0.029%); highest among the groups gnomAD compares: Non-Finnish European, 0.036%; no homozygotes.

Submissions (2):

CeGaT Center for Human Genetics Tuebingen
Classification: Likely benign. Last evaluated: 2026-06-01. Review status: criteria provided, single submitter. Criteria: CeGaT Center For Human Genetics Tuebingen Variant Classification Criteria Version 2. Collection method: clinical testing. Allele origin: germline. Affected: yes. Observed: 2 variant alleles.
Comment: KCTD17: BS1

Labcorp Genetics (formerly Invitae), Labcorp
Classification: Likely benign for Myoclonic dystonia 26. Last evaluated: 2026-01-28. Review status: criteria provided, single submitter. Criteria: Invitae Variant Classification Sherloc (09022015). Collection method: clinical testing. Allele origin: germline.

NM_001282684.2(KCTD17):c.882C>T (p.Tyr294=)

Gene: KCTD17 (potassium channel tetramerization domain containing 17; plus strand). Cytogenetic location: 22q12.3.
Variant type: single nucleotide variant.
Coding change: c.882C>T on transcript NM_001282684.2 (MANE Select); coding-DNA position 882, C replaced by T.
Protein change: p.Tyr294=; no amino-acid change (tyrosine 294 retained).
Molecular consequence: synonymous variant. On other transcripts: 3 prime UTR variant (1), nonsense (1).
Genome position (GRCh38, 1-based): chr22:37,062,531, C>T. VCF-style: chr22-37062531-C-T. GRCh37 (hg19) VCF-style: chr22-37458571-C-T.
Other names: c.*53C>T (NM_001282685.2); c.619C>T, p.Gln207Ter (NM_001282686.2); c.810C>T, p.Tyr270= (NM_024681.4); short protein forms Q207*.
Identifiers: ClinVar variation 706228 (VCV000706228.32), dbSNP rs142739650, ClinGen allele CA10215194.